The following is an entry in ClinVar:

ClinVar aggregate classification (germline): Uncertain significance (1 of 4 stars; one submission).

Submission:

GeneDx
Classification: Uncertain significance. Last evaluated: 2020-11-13. Review status: criteria provided, single submitter. Criteria: GeneDx Variant Classification Process June 2021. Collection method: clinical testing. Allele origin: germline. Affected: yes.
Comment: Has not been previously published as pathogenic or benign to our knowledge; Not observed in large population cohorts (Lek et al., 2016); In silico analysis supports that this missense variant has a deleterious effect on protein structure/function

NM_001458.5(FLNC):c.5416T>C (p.Ser1806Pro)

Genes: FLNC (filamin C; plus strand), FLNC-AS1 (FLNC antisense RNA 1; minus strand). Cytogenetic location: 7q32.1.
Variant type: single nucleotide variant.
Coding change: c.5416T>C on transcript NM_001458.5 (MANE Select); coding-DNA position 5416, T replaced by C.
Protein change: p.Ser1806Pro; replaces serine 1806 with proline.
Molecular consequence: missense variant.
Genome position (GRCh38, 1-based): chr7:128,850,820, T>C. VCF-style: chr7-128850820-T-C. GRCh37 (hg19) VCF-style: chr7-128490874-T-C.
Other names: c.5317T>C, p.Ser1773Pro (NM_001127487.2); short protein forms S1773P, S1806P.
Identifiers: ClinVar variation 1219760 (VCV001219760.3), dbSNP rs2128938216, ClinGen allele CA369206614.